The following is an entry in ClinVar:

ClinVar aggregate classification (germline): Uncertain significance (1 of 4 stars; one submission).

Submission:

CeGaT Center for Human Genetics Tuebingen
Classification: Uncertain significance. Last evaluated: 2023-08-01. Review status: criteria provided, single submitter. Criteria: CeGaT Center For Human Genetics Tuebingen Variant Classification Criteria Version 2. Collection method: clinical testing. Allele origin: germline. Affected: yes. Observed: 1 variant allele.
Comment: CRKL: PM2

NM_005207.4(CRKL):c.311+2T>C

Gene: CRKL (CRK like proto-oncogene, adaptor protein; plus strand). Cytogenetic location: 22q11.21.
Variant type: single nucleotide variant.
Coding change: c.311+2T>C on transcript NM_005207.4 (MANE Select); the canonical splice donor site of the intron after coding-DNA position 311, T replaced by C.
Molecular consequence: splice donor variant.
Genome position (GRCh38, 1-based): chr22:20,918,247, T>C. VCF-style: chr22-20918247-T-C. GRCh37 (hg19) VCF-style: chr22-21272535-T-C.
Identifiers: ClinVar variation 2652924 (VCV002652924.24), dbSNP rs2147892133, ClinGen allele CA410766365.
Genomic context (GRCh38, chr22:20,918,247, plus strand): 5'-CTGGAGTTTTACAAGATCCACTACCTGGACACCACCACCCTCATCGAGCCTGCGCCCAGG[T>C]ACGCGAGAGCCCTCCCCGACCGCGGAGGAAGGTCGAGAACCGGGTCTGTCGAAGAGTGCT-3'